The following is an entry in ClinVar:

ClinVar aggregate classification (germline): Benign/Likely benign. Review status: criteria provided, multiple submitters, no conflicts (2 of 4 stars). 6 submissions from 6 submitters: Benign (3); Likely benign (3). Last evaluated 2026-01-28.

Conditions:
Familial thoracic aortic aneurysm and aortic dissection (TAAD). Also called: Thoracic aortic aneurysms and dissections. Identifiers: Orphanet 91387, MedGen C4707243, MONDO:0019625.
Aortic aneurysm, familial thoracic 4 (AAT4). Also called: AORTIC ANEURYSM/AORTIC DISSECTION AND PATENT DUCTUS ARTERIOSUS. Identifiers: MedGen C1851504, MONDO:0007568, OMIM 132900.

Allele frequency attached by ClinVar (database versions not stated): 1000 Genomes Project 30x 0.00172; gnomAD exomes 0.00014; ExAC 0.00020; gnomAD 0.00056; ESP Exome Variant Server 0.00085; 1000 Genomes Project 0.00140; TOPMed 0.00054.
gnomAD v4.1: 167 of 1,614,160 alleles (0.01%); highest among the groups gnomAD compares: African/African-American, 0.18%; no homozygotes.

Submissions (6):

Labcorp Genetics (formerly Invitae), Labcorp
Classification: Benign for Aortic aneurysm, familial thoracic 4. Last evaluated: 2026-01-28. Review status: criteria provided, single submitter. Criteria: Invitae Variant Classification Sherloc (09022015). Collection method: clinical testing. Allele origin: germline.

Women's Health and Genetics/Laboratory Corporation of America, LabCorp
Classification: Benign. Last evaluated: 2022-02-05. Review status: criteria provided, single submitter. Criteria: LabCorp Variant Classification Summary - May 2015. Collection method: clinical testing. Allele origin: germline.

Color Diagnostics, LLC DBA Color Health
Classification: Benign for Familial thoracic aortic aneurysm and aortic dissection. Last evaluated: 2018-08-25. Review status: criteria provided, single submitter. Criteria: ACMG Guidelines, 2015. Collection method: clinical testing. Allele origin: germline.

Eurofins Ntd Llc (ga)
Classification: Likely benign. Last evaluated: 2017-06-23. Review status: criteria provided, single submitter. Criteria: EGL Classification Definitions 2015. Collection method: clinical testing. Allele origin: germline. Observed: 1 variant allele, 1 heterozygote.

Ambry Genetics
Classification: Likely benign for Familial thoracic aortic aneurysm and aortic dissection. Last evaluated: 2017-05-25. Review status: criteria provided, single submitter. Criteria: Ambry Variant Classification Scheme 2023. Collection method: clinical testing. Allele origin: germline.

GeneDx
Classification: Likely benign. Last evaluated: 2016-05-18. Review status: criteria provided, single submitter. Criteria: GeneDx Variant Classification (06012015). Collection method: clinical testing. Allele origin: germline. Affected: yes.
Comment: This variant is considered likely benign or benign based on one or more of the following criteria: it is a conservative change, it occurs at a poorly conserved position in the protein, it is predicted to be benign by multiple in silico algorithms, and/or has population frequency not consistent with disease.

NM_002474.3(MYH11):c.2649G>A (p.Ser883=)

Gene: MYH11 (myosin heavy chain 11; minus strand). Cytogenetic location: 16p13.11.
Variant type: single nucleotide variant.
Coding change: c.2649G>A on transcript NM_002474.3 (MANE Select); coding-DNA position 2649, G replaced by A.
Protein change: p.Ser883=; no amino-acid change (serine 883 retained).
Molecular consequence: synonymous variant.
Genome position (GRCh38, 1-based): chr16:15,741,763, C>T on the plus strand (G>A on the coding strand, the complement: MYH11 is on the minus strand). VCF-style: chr16-15741763-C-T. GRCh37 (hg19) VCF-style: chr16-15835620-C-T.
Other names: c.2670G>A, p.Ser890= (NM_001040113.2, NM_001040114.2); c.2649G>A, p.Ser883= (NM_022844.3).
Identifiers: ClinVar variation 263394 (VCV000263394.23), dbSNP rs150943863, ClinGen allele CA7922217.